The following is an entry in ClinVar:

NM_004415.4(DSP):c.7780dup (p.Ser2594fs)

Gene: DSP (desmoplakin; plus strand). Cytogenetic location: 6p24.3.
Variant type: Duplication.
Coding change: c.7780dup on transcript NM_004415.4 (MANE Select); coding-DNA position 7780, one base duplicated (T; older notation c.7780dupT).
Protein change: p.Ser2594fs; shifts the reading frame from serine 2594.
Molecular consequence: frameshift variant.
Genome position (GRCh38, 1-based): chr6:7,585,042, T duplicated; the last of 3 consecutive T bases (chr6:7,585,040-7,585,042); duplicating any one gives the same sequence. VCF-style (leftmost placement, unchanged base first): chr6-7585039-A-AT. GRCh37 (hg19) VCF-style: chr6-7585272-A-AT.
Other names: c.5983dup, p.Ser1995fs (NM_001008844.3); c.6451dup, p.Ser2151fs (NM_001319034.2); c.7780dupT (NM_004415.2); short protein forms S1995fs, S2151fs, S2594fs.
Identifiers: ClinVar variation 1760604 (VCV001760604.2), dbSNP rs397514045, ClinGen allele CA2580075383.

ClinVar aggregate classification (germline): Likely pathogenic (1 of 4 stars; one submission).

Conditions:
Cardiovascular phenotype. Identifiers: MedGen CN230736.

Submission:

Ambry Genetics
Classification: Likely pathogenic for Cardiovascular phenotype. Last evaluated: 2018-09-12. Review status: criteria provided, single submitter. Criteria: Ambry Variant Classification Scheme 2023. Collection method: clinical testing. Allele origin: germline.
Comment: The c.7780dupT variant, located in coding exon 24 of the DSP gene, results from a duplication of T at nucleotide position 7780, causing a translational frameshift with a predicted alternate stop codon (p.S2594Ffs*31). Most frameshifts are typically deleterious in nature. This frameshift occurs at the 3' terminus of DSP and is not expected to trigger nonsense-mediated mRNA decay; however, the frameshift eliminates 278 amino acids in the C-terminus of the protein, which would be expected to impact both the intermediate filament and keratin interaction domains. A single nucleotide deletion at this position, c.7780delT, which also results in a translational frameshift and alternate stop codon (p.S2594Pfs*8), has been reported as homozygous in an individual with Carvajal syndrome; Furthermore, alterations in DSP that result in haploinsufficiency or protein truncation, including some downstream of this variant, have been reported in patients with arrhythmogenic right ventricular cardiomyopathy (ARVC) and dilated cardiomyopathy (DCM) (Fressart V et al. Europace. 2010;12(6):861-8; Elliott P et al. Circ Cardiovasc Genet. 2010;3(4):314-22; Quarta G et al. Circulation. 2011;123(23):2701-9; Garcia-Pavia P et al. Heart. 2011;97(21):1744-52; Rasmussen TB et al. Clin Genet. 2013;84(1):20-30; Pugh TJ et al. Genet Med. 2014;16(8):601-8; Castelletti S et al. Int. J. Cardiol., 2017 Dec;249:268-273). Based on the majority of available evidence to date, this variant is likely to be pathogenic.

Literature cited by the submitters: PubMed 20400443; PubMed 23137101; PubMed 28527814.